The following is an entry in ClinVar:

ClinVar aggregate classification (germline): Pathogenic. Review status: criteria provided, multiple submitters, no conflicts (2 of 4 stars). 3 submissions from 3 submitters: Pathogenic (2). 1 of the submissions does not count toward it. Last evaluated 2026-06-09.

Conditions:
Pachyonychia congenita 3 (PC3). Also called: KRT6A-Related Pachyonychia Congenita; PC-K6a. Identifiers: Orphanet 2309, MedGen C3714948, MONDO:0014324, OMIM 615726.

Submissions (3):

Institute of Human Genetics, University of Leipzig Medical Center
Classification: Pathogenic for Pachyonychia congenita 3. Last evaluated: 2026-06-09. Review status: criteria provided, single submitter. Criteria: ACMG Guidelines, 2015. Collection method: clinical testing. Allele origin: unknown. Inheritance: Autosomal dominant inheritance. Affected: yes.
Comment: Criteria applied: PS4_MOD,PM1,PM2,PM5,PP3,PP4

GeneDx
Classification: Pathogenic. Last evaluated: 2016-02-03. Review status: criteria provided, single submitter. Criteria: GeneDx Variant Classification (06012015). Collection method: clinical testing. Allele origin: germline. Affected: yes.
Comment: The L170F variant in the KRT6A gene has been reported previously in patients with pachyonychia congenita (PC) (Smith et al., 2005; Wilson et al., 2014). It was not observed in approximately 6,500 individuals of European and African American ancestry in the NHLBI Exome Sequencing Project, indicating it is not a common benign variant in these populations. This substitution occurs within a known hotspot region (helix initiation motif) that is highly conserved across all species and among all members of the keratin family. Many other pathogenic variants in patients with pachyonychia congenita have been reported in nearby residues (Q166P, I167S/N, N171Y/S/D/T/K, F174I/S/C/V/L) according to the Human Gene Mutation Database (Stenson et al., 2014). It is well established that keratin gene variants affecting the residues at the ends of the central rod domains of the keratin proteins (helix initiation and termination motifs) interfere with proper keratin intermediate filament assembly and function, resulting in hyperkeratosis (Chamcheu et al., 2011). In addition, the KRT6A gene has a low rate of benign missense variation with missense variants as a common mechanism of disease. Therefore, we consider L170F to be pathogenic.

Epithelial Biology;  Institute of Medical Biology, Singapore
No classification provided. Review status: no classification provided. Collection method: not provided. Allele origin: not provided. Not counted in ClinVar's aggregate classification.

NM_005554.4(KRT6A):c.508C>T (p.Leu170Phe)

Gene: KRT6A (keratin 6A; minus strand). Cytogenetic location: 12q13.13.
Variant type: single nucleotide variant.
Coding change: c.508C>T on transcript NM_005554.4 (MANE Select); coding-DNA position 508, C replaced by T.
Protein change: p.Leu170Phe; replaces leucine 170 with phenylalanine.
Molecular consequence: missense variant.
Genome position (GRCh38, 1-based): chr12:52,492,681, G>A on the plus strand (C>T on the coding strand, the complement: KRT6A is on the minus strand). VCF-style: chr12-52492681-G-A. GRCh37 (hg19) VCF-style: chr12-52886465-G-A.
Other names: short protein forms L170F.
Identifiers: ClinVar variation 66584 (VCV000066584.3), dbSNP rs57448541, ClinGen allele CA217350.